The following is an entry in ClinVar:

NM_021222.3(PRUNE1):c.380A>G (p.His127Arg)

Gene: PRUNE1 (prune exopolyphosphatase 1; plus strand). Cytogenetic location: 1q21.3.
Variant type: single nucleotide variant.
Coding change: c.380A>G on transcript NM_021222.3 (MANE Select); coding-DNA position 380, A replaced by G.
Protein change: p.His127Arg; replaces histidine 127 with arginine.
Molecular consequence: missense variant. On other transcripts: 5 prime UTR variant (1), intron variant (1).
Genome position (GRCh38, 1-based): chr1:151,024,655, A>G. VCF-style: chr1-151024655-A-G. GRCh37 (hg19) VCF-style: chr1-150997131-A-G.
Other names: c.-167A>G (NM_001303229.2); c.380A>G, p.His127Arg (NM_001303242.2); c.77-2578A>G (NM_001303243.2); short protein forms H127R.
Identifiers: ClinVar variation 1189774 (VCV001189774.2), dbSNP rs1245016196, ClinGen allele CA341904634.

ClinVar aggregate classification (germline): Likely pathogenic (1 of 4 stars; one submission).

Allele frequency attached by ClinVar (database versions not stated): gnomAD exomes 0.00001 and 0.00002; TOPMed 0.00002.
gnomAD v4.1: 4 of 1,613,448 alleles (0.00025%); highest among the groups gnomAD compares: Admixed American, 0.0067%; no homozygotes.

Submission:

GeneDx
Classification: Likely pathogenic. Last evaluated: 2020-03-04. Review status: criteria provided, single submitter. Criteria: GeneDx Variant Classification Process June 2021. Collection method: clinical testing. Allele origin: germline. Affected: yes.
Comment: Has not been previously published as pathogenic or benign to our knowledge